The following is an entry in ClinVar:

NM_001330588.2(TPP2):c.1902T>C (p.Val634=)

Gene: TPP2 (tripeptidyl peptidase 2; plus strand). Cytogenetic location: 13q33.1.
Variant type: single nucleotide variant.
Coding change: c.1902T>C on transcript NM_001330588.2 (MANE Select); coding-DNA position 1902, T replaced by C.
Protein change: p.Val634=; no amino-acid change (valine 634 retained).
Molecular consequence: synonymous variant. On other transcripts: non-coding transcript variant (1).
Genome position (GRCh38, 1-based): chr13:102,638,304, T>C. VCF-style: chr13-102638304-T-C. GRCh37 (hg19) VCF-style: chr13-103290654-T-C.
Other names: c.1902T>C, p.Val634= (NM_001367947.1, NM_003291.4, LRG_1341t1).
Identifiers: ClinVar variation 478052 (VCV000478052.36), dbSNP rs148056679, ClinGen allele CA7037864.

ClinVar aggregate classification (germline): Benign/Likely benign. Review status: criteria provided, multiple submitters, no conflicts (2 of 4 stars). 4 submissions from 4 submitters: Benign (3); Likely benign (1). Last evaluated 2026-02-03.

Conditions:
Evans syndrome, immunodeficiency, and premature immunosenescence associated with tripeptidyl-peptidase II deficiency. Identifiers: MedGen CN231723. Disease mechanism: loss of function.

Allele frequency attached by ClinVar (database versions not stated): gnomAD exomes 0.00030 and 0.00087; ExAC 0.00101; 1000 Genomes Project 0.00260; 1000 Genomes Project 30x 0.00281; gnomAD 0.00310 and 0.00333; TOPMed 0.00364; ESP Exome Variant Server 0.00446.
gnomAD v4.1: 929 of 1,612,900 alleles (0.058%); highest among the groups gnomAD compares: African/African-American, 1.1%; 5 homozygotes.

Submissions (4):

Labcorp Genetics (formerly Invitae), Labcorp
Classification: Benign for Evans syndrome, immunodeficiency, and premature immunosenescence associated with tripeptidyl-peptidase II deficiency. Last evaluated: 2026-02-03. Review status: criteria provided, single submitter. Criteria: Invitae Variant Classification Sherloc (09022015). Collection method: clinical testing. Allele origin: germline.

Blueprint Genetics
Classification: Likely benign. Last evaluated: 2024-09-04. Review status: criteria provided, single submitter. Criteria: ACMG Guidelines, 2015. Collection method: clinical testing. Allele origin: germline.

CeGaT Center for Human Genetics Tuebingen
Classification: Benign. Last evaluated: 2023-11-01. Review status: criteria provided, single submitter. Criteria: CeGaT Center For Human Genetics Tuebingen Variant Classification Criteria Version 2. Collection method: clinical testing. Allele origin: germline. Affected: yes. Observed: 1 variant allele.
Comment: TPP2: BP4, BP7, BS1, BS2

Breakthrough Genomics
Classification: Benign. Review status: criteria provided, single submitter. Criteria: ACMG Guidelines, 2015. Collection method: not provided. Allele origin: germline. Inheritance: Autosomal recessive inheritance. Affected: yes.